The following is an entry in ClinVar:

NM_001364905.1(LRBA):c.6512G>T (p.Arg2171Leu)

Gene: LRBA (LPS responsive beige-like anchor protein; minus strand). Cytogenetic location: 4q31.3.
Variant type: single nucleotide variant.
Coding change: c.6512G>T on transcript NM_001364905.1 (MANE Select); coding-DNA position 6512, G replaced by T.
Protein change: p.Arg2171Leu; replaces arginine 2171 with leucine.
Molecular consequence: missense variant.
Genome position (GRCh38, 1-based): chr4:150,487,771, C>A on the plus strand (G>T on the coding strand, the complement: LRBA is on the minus strand). VCF-style: chr4-150487771-C-A. GRCh37 (hg19) VCF-style: chr4-151408923-C-A.
Other names: c.6512G>T, p.Arg2171Leu (NM_001199282.3, NM_001367550.1); c.6545G>T, p.Arg2182Leu (NM_006726.5); short protein forms R2171L, R2182L.
Identifiers: ClinVar variation 1309362 (VCV001309362.3), dbSNP rs572317255, ClinGen allele CA358607186.

ClinVar aggregate classification (germline): Uncertain significance. Review status: criteria provided, multiple submitters, no conflicts (2 of 4 stars). 2 submissions from 2 submitters: Uncertain significance (2). Last evaluated 2025-04-02.

Conditions:
Inborn genetic diseases. Identifiers: MedGen C0950123, MeSH D030342.

Submissions (2):

Ambry Genetics
Classification: Uncertain significance for Inborn genetic diseases. Last evaluated: 2025-04-02. Review status: criteria provided, single submitter. Criteria: Ambry Variant Classification Scheme 2023. Collection method: clinical testing. Allele origin: germline.

GeneDx
Classification: Uncertain significance. Last evaluated: 2019-10-17. Review status: criteria provided, single submitter. Criteria: GeneDx Variant Classification Process June 2021. Collection method: clinical testing. Allele origin: germline. Affected: yes.
Comment: Has not been previously published as pathogenic or benign to our knowledge; Not observed in large population cohorts (Lek et al., 2016); In silico analysis, which includes protein predictors and evolutionary conservation, supports a deleterious effect